The following is an entry in ClinVar:

NM_007186.6(CEP250):c.1501G>C (p.Asp501His)

Genes: CEP250 (centrosomal protein 250; plus strand), CEP250-AS1 (CEP250 antisense RNA 1; minus strand). Cytogenetic location: 20q11.22.
Variant type: single nucleotide variant.
Coding change: c.1501G>C on transcript NM_007186.6 (MANE Select); coding-DNA position 1501, G replaced by C.
Protein change: p.Asp501His; replaces aspartic acid 501 with histidine.
Molecular consequence: missense variant. On other transcripts: 5 prime UTR variant (1).
Genome position (GRCh38, 1-based): chr20:35,473,982, G>C. VCF-style: chr20-35473982-G-C. GRCh37 (hg19) VCF-style: chr20-34061807-G-C.
Other names: c.-399G>C (NM_001318219.1); short protein forms D501H.
Identifiers: ClinVar variation 2088389 (VCV002088389.4), dbSNP rs763828103, ClinGen allele CA9832941.

ClinVar aggregate classification (germline): Uncertain significance (1 of 4 stars; one submission).

Allele frequency attached by ClinVar (database versions not stated): ExAC 0.00005.
gnomAD v4.1: 12 of 1,608,378 alleles (0.00075%); highest among the groups gnomAD compares: South Asian, 0.012%; no homozygotes.

Submission:

Labcorp Genetics (formerly Invitae), Labcorp
Classification: Uncertain significance. Last evaluated: 2023-08-04. Review status: criteria provided, single submitter. Criteria: Invitae Variant Classification Sherloc (09022015). Collection method: clinical testing. Allele origin: germline.
Comment: In summary, the available evidence is currently insufficient to determine the role of this variant in disease. Therefore, it has been classified as a Variant of Uncertain Significance. An algorithm developed to predict the effect of missense changes on protein structure and function (PolyPhen-2) suggests that this variant is likely to be disruptive. ClinVar contains an entry for this variant (Variation ID: 2088389). This variant has not been reported in the literature in individuals affected with CEP250-related conditions. This variant is present in population databases (rs763828103, gnomAD 0.02%). This sequence change replaces aspartic acid, which is acidic and polar, with histidine, which is basic and polar, at codon 501 of the CEP250 protein (p.Asp501His).